The following is an entry in ClinVar:

ClinVar aggregate classification (germline): Benign/Likely benign. Review status: criteria provided, multiple submitters, no conflicts (2 of 4 stars). 6 submissions from 6 submitters: Benign (3); Likely benign (3). Last evaluated 2026-02-01.

Conditions:
Inborn genetic diseases. Identifiers: MedGen C0950123, MeSH D030342.
Developmental and epileptic encephalopathy, 42 (DEE42A). Also called: DEVELOPMENTAL AND EPILEPTIC ENCEPHALOPATHY 42A; EPILEPTIC ENCEPHALOPATHY, EARLY INFANTILE, 42A; Epileptic encephalopathy, early infantile, 42. Identifiers: MedGen C4310716, MONDO:0014917, OMIM 617106.
Episodic ataxia type 2 (EA2). Also called: ATAXIA, EPISODIC, WITH NYSTAGMUS; ATAXIA, FAMILIAL PAROXYSMAL; CEREBELLAR ATAXIA, PAROXYSMAL, ACETAZOLAMIDE-RESPONSIVE; CEREBELLOPATHY, HEREDITARY PAROXYSMAL; ACETAZOLAMIDE-RESPONSIVE HEREDITARY PAROXYSMAL CEREBELLAR ATAXIA; EPISODIC ATAXIA, NYSTAGMUS-ASSOCIATED. Identifiers: Orphanet 97, MedGen C1720416, MONDO:0007163, OMIM 108500.

Allele frequency attached by ClinVar (database versions not stated): gnomAD 0.00045; 1000 Genomes Project 0.00060; ESP Exome Variant Server 0.00074; 1000 Genomes Project 30x 0.00078; TOPMed 0.00107.
gnomAD v4.1: 260 of 1,565,216 alleles (0.017%); highest among the groups gnomAD compares: African/African-American, 0.28%; no homozygotes.

Submissions (6):

CeGaT Center for Human Genetics Tuebingen
Classification: Likely benign. Last evaluated: 2026-02-01. Review status: criteria provided, single submitter. Criteria: CeGaT Center For Human Genetics Tuebingen Variant Classification Criteria Version 2. Collection method: clinical testing. Allele origin: germline. Affected: yes. Observed: 4 variant alleles.
Comment: CACNA1A: BP4, BP7, BS1

Labcorp Genetics (formerly Invitae), Labcorp
Classification: Benign for Developmental and epileptic encephalopathy, 42; Episodic ataxia type 2. Last evaluated: 2026-01-05. Review status: criteria provided, single submitter. Criteria: Invitae Variant Classification Sherloc (09022015). Collection method: clinical testing. Allele origin: germline.

Athena Diagnostics
Classification: Benign. Last evaluated: 2025-03-25. Review status: criteria provided, single submitter. Criteria: Athena Diagnostics Criteria. Collection method: clinical testing. Allele origin: unknown.
Comment: The frequency of this variant in the general population is higher than would generally be expected for pathogenic variants in this gene.

Blueprint Genetics
Classification: Likely benign. Last evaluated: 2024-11-01. Review status: criteria provided, single submitter. Criteria: ACMG Guidelines, 2015. Collection method: clinical testing. Allele origin: germline.

GeneDx
Classification: Benign. Last evaluated: 2021-03-08. Review status: criteria provided, single submitter. Criteria: GeneDx Variant Classification Process June 2021. Collection method: clinical testing. Allele origin: germline. Affected: yes.

Ambry Genetics
Classification: Likely benign for Inborn genetic diseases. Last evaluated: 2016-12-14. Review status: criteria provided, single submitter. Criteria: Ambry Variant Classification Scheme 2023. Collection method: clinical testing. Allele origin: germline.

NM_001127222.2(CACNA1A):c.2823G>A (p.Glu941=)

Gene: CACNA1A (calcium voltage-gated channel subunit alpha1 A; minus strand). Cytogenetic location: 19p13.13.
Variant type: single nucleotide variant.
Coding change: c.2823G>A on transcript NM_001127222.2 (MANE Select); coding-DNA position 2823, G replaced by A.
Protein change: p.Glu941=; no amino-acid change (glutamic acid 941 retained).
Molecular consequence: synonymous variant.
Genome position (GRCh38, 1-based): chr19:13,298,810, C>T on the plus strand (G>A on the coding strand, the complement: CACNA1A is on the minus strand). VCF-style: chr19-13298810-C-T. GRCh37 (hg19) VCF-style: chr19-13409624-C-T.
Other names: c.2826G>A (NM_000068.2); c.2835G>A, p.Glu945= (NM_000068.4, NM_023035.3); c.2826G>A, p.Glu942= (NM_001127221.2, NM_001174080.2).
Identifiers: ClinVar variation 385236 (VCV000385236.34), dbSNP rs374511141, ClinGen allele CA9240466.